The following is an entry in ClinVar:

NM_001606.5(ABCA2):c.470G>C (p.Arg157Thr)

Gene: ABCA2 (ATP binding cassette subfamily A member 2; minus strand). Cytogenetic location: 9q34.3.
Variant type: single nucleotide variant.
Coding change: c.470G>C on transcript NM_001606.5 (MANE Select); coding-DNA position 470, G replaced by C.
Protein change: p.Arg157Thr; replaces arginine 157 with threonine.
Molecular consequence: missense variant.
Genome position (GRCh38, 1-based): chr9:137,022,448, C>G on the plus strand (G>C on the coding strand, the complement: ABCA2 is on the minus strand). VCF-style: chr9-137022448-C-G. GRCh37 (hg19) VCF-style: chr9-139916900-C-G.
Other names: c.560G>C, p.Arg187Thr (NM_212533.3); short protein forms R187T, R157T.
Identifiers: ClinVar variation 744705 (VCV000744705.7), dbSNP rs201942449, ClinGen allele CA5355817.
Genomic context (GRCh38, chr9:137,022,448, plus strand): 5'-GCCGTGCTATTGGGCAGCGACAAGTTTTGCGTCAGGAAACGCCAGAGCTCCTGCGGGTTT[C>G]TGGCCACCGAGTCCAGAGAGAAGGAAGACACTGGACAGGCAGGAAGGCGAGGCTGAGAGG-3'
Protein context (NP_001597.2, residues 147-167): VSSFSLDSVA[Arg157Thr]NPQELWRFLT

ClinVar aggregate classification (germline): Likely benign. Review status: criteria provided, multiple submitters, no conflicts (2 of 4 stars). 4 submissions from 4 submitters: Likely benign (3). 1 of the submissions does not count toward it. Last evaluated 2024-11-19.

Conditions:
ABCA2-related disorder. Also called: ABCA2-related condition.

Allele frequency attached by ClinVar (database versions not stated): gnomAD 0.00009 and 0.00003; gnomAD exomes 0.00016 and 0.00033; TOPMed 0.00002; ExAC 0.00036; 1000 Genomes Project 30x 0.00047; 1000 Genomes Project 0.00060.
gnomAD v4.1: 248 of 1,612,016 alleles (0.015%); highest among the groups gnomAD compares: Middle Eastern, 0.28%; 3 homozygotes.

Submissions (4):

Blueprint Genetics
Classification: Likely benign. Last evaluated: 2024-11-19. Review status: criteria provided, single submitter. Criteria: ACMG Guidelines, 2015. Collection method: clinical testing. Allele origin: germline.

Labcorp Genetics (formerly Invitae), Labcorp
Classification: Likely benign. Last evaluated: 2018-11-27. Review status: criteria provided, single submitter. Criteria: Invitae Variant Classification Sherloc (09022015). Collection method: clinical testing. Allele origin: germline.

Breakthrough Genomics
Classification: Likely benign. Review status: criteria provided, single submitter. Criteria: ACMG Guidelines, 2015. Collection method: not provided. Allele origin: germline. Inheritance: Autosomal recessive inheritance. Affected: yes.

PreventionGenetics, part of Exact Sciences
Classification: Likely benign for ABCA2-related condition. Last evaluated: 2022-04-19. Review status: no assertion criteria provided. Collection method: clinical testing. Allele origin: germline. Not counted in ClinVar's aggregate classification.
Comment: This variant is classified as likely benign based on ACMG/AMP sequence variant interpretation guidelines (Richards et al. 2015 PMID: 25741868, with internal and published modifications).